The following is an entry in ClinVar:

NM_018062.4(FANCL):c.105C>A (p.Asp35Glu)

Gene: FANCL (FA complementation group L; minus strand). Cytogenetic location: 2p16.1.
Variant type: single nucleotide variant.
Coding change: c.105C>A on transcript NM_018062.4 (MANE Select); coding-DNA position 105, C replaced by A.
Protein change: p.Asp35Glu; replaces aspartic acid 35 with glutamic acid.
Molecular consequence: missense variant.
Genome position (GRCh38, 1-based): chr2:58,232,104, G>T on the plus strand (C>A on the coding strand, the complement: FANCL is on the minus strand). VCF-style: chr2-58232104-G-T. GRCh37 (hg19) VCF-style: chr2-58459239-G-T.
Other names: c.105C>A, p.Asp35Glu (NM_001114636.2, NM_001374615.1, NM_001410792.1); short protein forms D35E.
Identifiers: ClinVar variation 2708083 (VCV002708083.3), dbSNP rs1165282908, ClinGen allele CA347034996.

ClinVar aggregate classification (germline): Uncertain significance (1 of 4 stars; one submission).

Conditions:
Fanconi anemia (FA). Also called: Fanconi's anemia. Identifiers: Orphanet 84, MedGen C0015625, MeSH D005199, MONDO:0019391.

Submission:

Labcorp Genetics (formerly Invitae), Labcorp
Classification: Uncertain significance for Fanconi anemia. Last evaluated: 2023-10-15. Review status: criteria provided, single submitter. Criteria: Invitae Variant Classification Sherloc (09022015). Collection method: clinical testing. Allele origin: germline.
Comment: This sequence change replaces aspartic acid, which is acidic and polar, with glutamic acid, which is acidic and polar, at codon 35 of the FANCL protein (p.Asp35Glu). This variant is present in population databases (no rsID available, gnomAD 0.0009%). This variant has not been reported in the literature in individuals affected with FANCL-related conditions. Advanced modeling of protein sequence and biophysical properties (such as structural, functional, and spatial information, amino acid conservation, physicochemical variation, residue mobility, and thermodynamic stability) performed at Invitae indicates that this missense variant is not expected to disrupt FANCL protein function. In summary, the available evidence is currently insufficient to determine the role of this variant in disease. Therefore, it has been classified as a Variant of Uncertain Significance.